The following is an entry in ClinVar:

ClinVar aggregate classification (germline): Likely benign. Review status: criteria provided, multiple submitters, no conflicts (2 of 4 stars). 8 submissions from 8 submitters: Likely benign (8). Last evaluated 2026-02-01.

Conditions:
ALPK3-related disorder. Also called: ALPK3-related condition.
Cardiovascular phenotype. Identifiers: MedGen CN230736.

Allele frequency attached by ClinVar (database versions not stated): ExAC 0.00027; 1000 Genomes Project 30x 0.00031; ESP Exome Variant Server 0.00031; gnomAD 0.00031 and 0.00032; gnomAD exomes 0.00031 and 0.00062; TOPMed 0.00031.

Submissions (8):

Labcorp Genetics (formerly Invitae), Labcorp
Classification: Likely benign. Last evaluated: 2026-02-01. Review status: criteria provided, single submitter. Criteria: Invitae Variant Classification Sherloc (09022015). Collection method: clinical testing. Allele origin: germline.

Women's Health and Genetics/Laboratory Corporation of America, LabCorp
Classification: Likely benign. Last evaluated: 2025-09-19. Review status: criteria provided, single submitter. Criteria: LabCorp Variant Classification Summary - May 2015. Collection method: clinical testing. Allele origin: germline.

PreventionGenetics, part of Exact Sciences
Classification: Likely benign for ALPK3-related condition. Last evaluated: 2025-06-28. Review status: criteria provided, single submitter. Criteria: ACMG Guidelines, 2015. Collection method: clinical testing. Allele origin: germline.
Comment: This variant is classified as likely benign based on ACMG/AMP sequence variant interpretation guidelines (Richards et al. 2015 PMID: 25741868, with internal and published modifications).

CeGaT Center for Human Genetics Tuebingen
Classification: Likely benign. Last evaluated: 2025-05-01. Review status: criteria provided, single submitter. Criteria: CeGaT Center For Human Genetics Tuebingen Variant Classification Criteria Version 2. Collection method: clinical testing. Allele origin: germline. Affected: yes. Observed: 1 variant allele.
Comment: ALPK3: BP4, BP7

Molecular Diagnostic Laboratory for Inherited Cardiovascular Disease, Montreal Heart Institute
Classification: Likely benign. Last evaluated: 2025-04-09. Review status: criteria provided, single submitter. Criteria: ACMG Guidelines, 2015. Collection method: clinical testing. Allele origin: germline. Affected: no.

Blueprint Genetics
Classification: Likely benign. Last evaluated: 2024-05-10. Review status: criteria provided, single submitter. Criteria: ACMG Guidelines, 2015. Collection method: clinical testing. Allele origin: germline.

Ambry Genetics
Classification: Likely benign for Cardiovascular phenotype. Last evaluated: 2019-04-24. Review status: criteria provided, single submitter. Criteria: Ambry Variant Classification Scheme 2023. Collection method: clinical testing. Allele origin: germline.

GeneDx
Classification: Likely benign. Last evaluated: 2017-01-23. Review status: criteria provided, single submitter. Criteria: GeneDx Variant Classification (06012015). Collection method: clinical testing. Allele origin: germline. Affected: yes.
Comment: This variant is considered likely benign or benign based on one or more of the following criteria: it is a conservative change, it occurs at a poorly conserved position in the protein, it is predicted to be benign by multiple in silico algorithms, and/or has population frequency not consistent with disease.

NM_020778.5(ALPK3):c.150A>G (p.Ser50=)

Gene: ALPK3 (alpha kinase 3; plus strand). Cytogenetic location: 15q25.3.
Variant type: single nucleotide variant.
Coding change: c.150A>G on transcript NM_020778.5 (MANE Select); coding-DNA position 150, A replaced by G.
Protein change: p.Ser50=; no amino-acid change (serine 50 retained).
Molecular consequence: synonymous variant.
Genome position (GRCh38, 1-based): chr15:84,823,336, A>G. VCF-style: chr15-84823336-A-G. GRCh37 (hg19) VCF-style: chr15-85366567-A-G.
Identifiers: ClinVar variation 506878 (VCV000506878.24), dbSNP rs79285448, ClinGen allele CA7708855.